The following is an entry in ClinVar:

NM_005585.5(SMAD6):c.733T>C (p.Cys245Arg)

Gene: SMAD6 (SMAD family member 6; plus strand). Cytogenetic location: 15q22.31.
Variant type: single nucleotide variant.
Coding change: c.733T>C on transcript NM_005585.5 (MANE Select); coding-DNA position 733, T replaced by C.
Protein change: p.Cys245Arg; replaces cysteine 245 with arginine.
Molecular consequence: missense variant. On other transcripts: non-coding transcript variant (1).
Genome position (GRCh38, 1-based): chr15:66,703,991, T>C. VCF-style: chr15-66703991-T-C. GRCh37 (hg19) VCF-style: chr15-66996329-T-C.
Other names: short protein forms C245R.
Identifiers: ClinVar variation 2568133 (VCV002568133.2), dbSNP rs2545313040, ClinGen allele CA392950131.
Genomic context (GRCh38, chr15:66,703,991, plus strand): 5'-CTGCTCGGCCGCCTCTTTCGCTGGCCCGACCTGCAGCACGCCGTGGAGCTGAAGCCCCTG[T>C]GCGGCTGCCACAGCTTCGCCGCCGCCGCCGACGGCCCTACCGTGTGCTGCAACCCCTACC-3'
Protein context (NP_005576.3, residues 235-255): LQHAVELKPL[Cys245Arg]GCHSFAAAAD

ClinVar aggregate classification (germline): Uncertain significance (1 of 4 stars; one submission).

Conditions:
Inborn genetic diseases. Identifiers: MedGen C0950123, MeSH D030342.

Submission:

Ambry Genetics
Classification: Uncertain significance for Inborn genetic diseases. Last evaluated: 2023-05-18. Review status: criteria provided, single submitter. Criteria: Ambry Variant Classification Scheme 2023. Collection method: clinical testing. Allele origin: germline.
Comment: The p.C245R variant (also known as c.733T>C), located in coding exon 1 of the SMAD6 gene, results from a T to C substitution at nucleotide position 733. The cysteine at codon 245 is replaced by arginine, an amino acid with highly dissimilar properties. This amino acid position is conserved. In addition, the in silico prediction for this alteration is inconclusive. Since supporting evidence is limited at this time, the clinical significance of this alteration remains unclear.